The following is an entry in ClinVar:

ClinVar aggregate classification (germline): Conflicting classifications of pathogenicity. Review status: criteria provided, conflicting classifications (1 of 4 stars). 3 submissions from 3 submitters: Uncertain significance (2); Likely benign (1). Last evaluated 2024-07-14.

Conditions:
Inborn genetic diseases. Identifiers: MedGen C0950123, MeSH D030342.

Allele frequency attached by ClinVar (database versions not stated): gnomAD exomes 0.00001 and 0.00003; ExAC 0.00004; ESP Exome Variant Server 0.00008; gnomAD 0.00008 and 0.00009; TOPMed 0.00011; 1000 Genomes Project 0.00040; 1000 Genomes Project 30x 0.00047.
gnomAD v4.1: 27 of 1,612,896 alleles (0.0017%); highest among the groups gnomAD compares: African/African-American, 0.031%; no homozygotes.

Submissions (3):

Ambry Genetics
Classification: Uncertain significance for Inborn genetic diseases. Last evaluated: 2024-07-14. Review status: criteria provided, single submitter. Criteria: Ambry Variant Classification Scheme 2023. Collection method: clinical testing. Allele origin: germline.

Labcorp Genetics (formerly Invitae), Labcorp
Classification: Uncertain significance. Last evaluated: 2022-08-22. Review status: criteria provided, single submitter. Criteria: Invitae Variant Classification Sherloc (09022015). Collection method: clinical testing. Allele origin: germline.
Comment: In summary, the available evidence is currently insufficient to determine the role of this variant in disease. Therefore, it has been classified as a Variant of Uncertain Significance. Algorithms developed to predict the effect of missense changes on protein structure and function (SIFT, PolyPhen-2, Align-GVGD) all suggest that this variant is likely to be tolerated. ClinVar contains an entry for this variant (Variation ID: 386470). This variant has not been reported in the literature in individuals affected with ASPM-related conditions. This variant is present in population databases (rs372076208, gnomAD 0.03%). This sequence change replaces glutamine, which is neutral and polar, with proline, which is neutral and non-polar, at codon 2369 of the ASPM protein (p.Gln2369Pro).

GeneDx
Classification: Likely benign. Last evaluated: 2016-06-02. Review status: criteria provided, single submitter. Criteria: GeneDx Variant Classification (06012015). Collection method: clinical testing. Allele origin: germline. Affected: yes.
Comment: This variant is considered likely benign or benign based on one or more of the following criteria: it is a conservative change, it occurs at a poorly conserved position in the protein, it is predicted to be benign by multiple in silico algorithms, and/or has population frequency not consistent with disease.

NM_018136.5(ASPM):c.7106A>C (p.Gln2369Pro)

Gene: ASPM (assembly factor for spindle microtubules; minus strand). Cytogenetic location: 1q31.3.
Variant type: single nucleotide variant.
Coding change: c.7106A>C on transcript NM_018136.5 (MANE Select); coding-DNA position 7106, A replaced by C.
Protein change: p.Gln2369Pro; replaces glutamine 2369 with proline.
Molecular consequence: missense variant. On other transcripts: intron variant (1).
Genome position (GRCh38, 1-based): chr1:197,102,145, T>G on the plus strand (A>C on the coding strand, the complement: ASPM is on the minus strand). VCF-style: chr1-197102145-T-G. GRCh37 (hg19) VCF-style: chr1-197071275-T-G.
Other names: c.4066-5981A>C (NM_001206846.2); short protein forms Q2369P.
Identifiers: ClinVar variation 386470 (VCV000386470.7), dbSNP rs372076208, ClinGen allele CA1309454.